The following is an entry in ClinVar:

NM_005912.3(MC4R):c.223C>G (p.Leu75Val)

Gene: MC4R (melanocortin 4 receptor; minus strand). Cytogenetic location: 18q21.32.
Variant type: single nucleotide variant.
Coding change: c.223C>G on transcript NM_005912.3 (MANE Select); coding-DNA position 223, C replaced by G.
Protein change: p.Leu75Val; replaces leucine 75 with valine.
Molecular consequence: missense variant.
Genome position (GRCh38, 1-based): chr18:60,372,127, G>C on the plus strand (C>G on the coding strand, the complement: MC4R is on the minus strand). VCF-style: chr18-60372127-G-C. GRCh37 (hg19) VCF-style: chr18-58039360-G-C.
Other names: short protein forms L75V.
Identifiers: ClinVar variation 5000259 (VCV005000259.1).

ClinVar aggregate classification (germline): Uncertain significance (1 of 4 stars; one submission).

Conditions:
MC4R-related disorder. Also called: MC4R-related condition.

gnomAD v4.1: 1 of 1,614,246 alleles (0.000062%); highest among the groups gnomAD compares: African/African-American, 0.0013%; no homozygotes.

Submission:

PreventionGenetics, part of Exact Sciences
Classification: Uncertain significance for MC4R-related condition. Last evaluated: 2024-12-05. Review status: criteria provided, single submitter. Criteria: ACMG Guidelines, 2015. Collection method: clinical testing. Allele origin: germline.
Comment: The MC4R c.223C>G variant is predicted to result in the amino acid substitution p.Leu75Val. To our knowledge, this variant has not been reported in the literature. This variant is reported in 0.0062% of alleles in individuals of African descent in gnomAD. At this time, the clinical significance of this variant is uncertain due to the absence of conclusive functional and genetic evidence.